The following is an entry in ClinVar:

NM_001797.4(CDH11):c.2279C>T (p.Ser760Leu)

Gene: CDH11 (cadherin 11; minus strand). Cytogenetic location: 16q21.
Variant type: single nucleotide variant.
Coding change: c.2279C>T on transcript NM_001797.4 (MANE Select); coding-DNA position 2279, C replaced by T.
Protein change: p.Ser760Leu; replaces serine 760 with leucine.
Molecular consequence: missense variant. On other transcripts: 3 prime UTR variant (1).
Genome position (GRCh38, 1-based): chr16:64,947,715, G>A on the plus strand (C>T on the coding strand, the complement: CDH11 is on the minus strand). VCF-style: chr16-64947715-G-A. GRCh37 (hg19) VCF-style: chr16-64981618-G-A.
Other names: c.*376C>T (NM_001308392.2); c.1901C>T, p.Ser634Leu (NM_001330576.2); short protein forms S634L, S760L.
Identifiers: ClinVar variation 4883174 (VCV004883174.2).

ClinVar aggregate classification (germline): Uncertain significance (1 of 4 stars; one submission).

gnomAD v4.1: 1 of 1,613,986 alleles (0.000062%); highest among the groups gnomAD compares: South Asian, 0.0011%; no homozygotes.

Submission:

Dasa
Classification: Uncertain significance. Last evaluated: 2025-07-28. Review status: criteria provided, single submitter. Criteria: DASA Assertion Criteria. Collection method: clinical testing. Allele origin: germline.
Comment: NM_001797.4(CDH11):c.2279C>T (p.Ser760Leu) is a missense variant that results in the substitution of serine with leucine. This variant is rare in population databases. The currently available literature and clinical evidence are not sufficient to establish a definitive association between this variant and the reported condition. Therefore, this variant is classified as a variant of uncertain significance.